The following is an entry in ClinVar:

ClinVar aggregate classification (germline): Pathogenic (1 of 4 stars; one submission).

Conditions:
Achondrogenesis, type IA (ACG1A). Identifiers: Orphanet 932, Orphanet 93299, MedGen C0265273, MONDO:0008701, OMIM 200600.

Submission:

Labcorp Genetics (formerly Invitae), Labcorp
Classification: Pathogenic for Achondrogenesis, type IA. Last evaluated: 2022-10-13. Review status: criteria provided, single submitter. Criteria: Invitae Variant Classification Sherloc (09022015). Collection method: clinical testing. Allele origin: germline.
Comment: For these reasons, this variant has been classified as Pathogenic. This variant has not been reported in the literature in individuals affected with TRIP11-related conditions. This variant is present in population databases (no rsID available, gnomAD 0.0009%). This sequence change creates a premature translational stop signal (p.Ile817Tyrfs*2) in the TRIP11 gene. It is expected to result in an absent or disrupted protein product. Loss-of-function variants in TRIP11 are known to be pathogenic (PMID: 20089971, 23956106).

Literature cited by the submitters: PubMed 20089971; PubMed 23956106.

NM_004239.4(TRIP11):c.2448dup (p.Ile817fs)

Gene: TRIP11 (thyroid hormone receptor interactor 11; minus strand). Cytogenetic location: 14q32.12.
Variant type: Duplication.
Coding change: c.2448dup on transcript NM_004239.4 (MANE Select); coding-DNA position 2448, one base duplicated (T; older notation c.2448dupT).
Protein change: p.Ile817fs; shifts the reading frame from isoleucine 817.
Molecular consequence: frameshift variant.
Genome position (GRCh38, 1-based): chr14:92,005,528, A duplicated on the plus strand (T on the coding strand, the reverse complement: TRIP11 is on the minus strand); the first of 5 consecutive A bases (chr14:92,005,528-92,005,532); duplicating any one gives the same sequence. VCF-style (leftmost placement, unchanged base first): chr14-92005527-T-TA. GRCh37 (hg19) VCF-style: chr14-92471871-T-TA.
Other names: c.2445dup, p.Ile816fs (NM_001321851.1); short protein forms I816fs, I817fs.
Identifiers: ClinVar variation 1895654 (VCV001895654.5), dbSNP rs1468013861, ClinGen allele CA616112957.